The following is an entry in ClinVar:

ClinVar aggregate classification (germline): Pathogenic/Likely pathogenic. Review status: criteria provided, multiple submitters, no conflicts (2 of 4 stars). 3 submissions from 3 submitters: Pathogenic (2); Likely pathogenic (1). Last evaluated 2021-08-23.

Conditions:
CDH23-related disorder. Also called: CDH23-related condition; CDH23-related disorders.
Rare genetic deafness. Identifiers: Orphanet 96210, MedGen C5680250.

Submissions (3):

Labcorp Genetics (formerly Invitae), Labcorp
Classification: Likely pathogenic. Last evaluated: 2021-08-23. Review status: criteria provided, single submitter. Criteria: Invitae Variant Classification Sherloc (09022015). Collection method: clinical testing. Allele origin: germline.
Comment: This variant is not present in population databases (ExAC no frequency). This sequence change affects an acceptor splice site in intron 53 of the CDH23 gene. It is expected to disrupt RNA splicing. Variants that disrupt the donor or acceptor splice site typically lead to a loss of protein function (PMID: 16199547), and loss-of-function variants in CDH23 are known to be pathogenic (PMID: 11138009, 21940737). This variant has not been reported in the literature in individuals affected with CDH23-related conditions. ClinVar contains an entry for this variant (Variation ID: 228329). Algorithms developed to predict the effect of sequence changes on RNA splicing suggest that this variant may disrupt the consensus splice site. In summary, the currently available evidence indicates that the variant is pathogenic, but additional data are needed to prove that conclusively. Therefore, this variant has been classified as Likely Pathogenic.

Blueprint Genetics
Classification: Pathogenic for CDH23-related disorders. Last evaluated: 2020-11-10. Review status: criteria provided, single submitter. Criteria: ACMG Guidelines, 2015. Collection method: clinical testing. Allele origin: germline. Affected: yes. Observed: 3 variant alleles.

Laboratory for Molecular Medicine, Mass General Brigham Personalized Medicine
Classification: Pathogenic for Rare genetic deafness. Last evaluated: 2015-02-26. Review status: criteria provided, single submitter. Criteria: LMM Criteria. Collection method: clinical testing. Allele origin: germline. Inheritance: Autosomal recessive inheritance. Observed: 1 variant allele.
Comment: The c.7483-1G>C variant in CDH23 has not been previously reported in individuals with hearing loss or in large population studies. This variant occurs in the in variant region (+/- 1,2) of the splice consensus sequence and is predicted to ca use altered splicing leading to an abnormal or absent protein. In summary, this variant meets our criteria to be classified as pathogenic for Usher syndrome in an autosomal recessive manner based upon its predicted impact on the protein and low frequency in the general population.

Literature cited by the submitters: PubMed 16199547 (cited by Labcorp Genetics (formerly Invitae), Labcorp); PubMed 11138009 (cited by Labcorp Genetics (formerly Invitae), Labcorp); PubMed 21940737 (cited by Labcorp Genetics (formerly Invitae), Labcorp).

NM_022124.6(CDH23):c.7483-1G>C

Gene: CDH23 (cadherin related 23; plus strand). Cytogenetic location: 10q22.1.
Variant type: single nucleotide variant.
Coding change: c.7483-1G>C on transcript NM_022124.6 (MANE Select); the canonical splice acceptor site of the intron before coding-DNA position 7483, G replaced by C.
Molecular consequence: splice acceptor variant.
Genome position (GRCh38, 1-based): chr10:71,802,897, G>C. VCF-style: chr10-71802897-G-C. GRCh37 (hg19) VCF-style: chr10-73562654-G-C.
Other names: c.763-1G>C (NM_001171933.1, NM_001171934.1).
Identifiers: ClinVar variation 228329 (VCV000228329.11), dbSNP rs876657682, ClinGen allele CA10576817.